The following is an entry in ClinVar:

ClinVar aggregate classification (germline): Conflicting classifications of pathogenicity. Review status: criteria provided, conflicting classifications (1 of 4 stars). 2 submissions from 2 submitters: Likely pathogenic (1); Uncertain significance (1). Last evaluated 2022-09-13.

Conditions:
Charcot-Marie-Tooth disease type 4. Also called: Charcot-Marie-Tooth disease, type IV; Charcot-Marie-Tooth, Type 4. Identifiers: Orphanet 64749, MedGen C4082197, MONDO:0018995.
MTMR2-related disorders.

gnomAD v4.1: 6 of 1,613,134 alleles (0.00037%); highest among the groups gnomAD compares: Non-Finnish European, 0.00051%; no homozygotes.

Submissions (2):

Labcorp Genetics (formerly Invitae), Labcorp
Classification: Uncertain significance for Charcot-Marie-Tooth disease type 4. Last evaluated: 2022-09-13. Review status: criteria provided, single submitter. Criteria: Invitae Variant Classification Sherloc (09022015). Collection method: clinical testing. Allele origin: germline.
Comment: This sequence change creates a premature translational stop signal (p.Gln615*) in the MTMR2 gene. While this is not anticipated to result in nonsense mediated decay, it is expected to disrupt the last 29 amino acid(s) of the MTMR2 protein. This variant is not present in population databases (gnomAD no frequency). This variant has not been reported in the literature in individuals affected with MTMR2-related conditions. ClinVar contains an entry for this variant (Variation ID: 864368). In summary, the available evidence is currently insufficient to determine the role of this variant in disease. Therefore, it has been classified as a Variant of Uncertain Significance.

Blueprint Genetics
Classification: Likely pathogenic for MTMR2-related disorders. Last evaluated: 2019-07-31. Review status: criteria provided, single submitter. Criteria: ACMG Guidelines, 2015. Collection method: clinical testing. Allele origin: germline. Affected: yes. Observed: 1 variant allele.

NM_016156.6(MTMR2):c.1843C>T (p.Gln615Ter)

Gene: MTMR2 (myotubularin related protein 2; minus strand). Cytogenetic location: 11q21.
Variant type: single nucleotide variant.
Coding change: c.1843C>T on transcript NM_016156.6 (MANE Select); coding-DNA position 1843, C replaced by T.
Protein change: p.Gln615Ter; replaces glutamine 615 with a stop codon.
Molecular consequence: nonsense.
Genome position (GRCh38, 1-based): chr11:95,835,379, G>A on the plus strand (C>T on the coding strand, the complement: MTMR2 is on the minus strand). VCF-style: chr11-95835379-G-A. GRCh37 (hg19) VCF-style: chr11-95568543-G-A.
Other names: c.1627C>T, p.Gln543Ter (NM_001243571.2, NM_201278.3, NM_201281.3); short protein forms Q543*, Q615*.
Identifiers: ClinVar variation 864368 (VCV000864368.8), dbSNP rs886048770, ClinGen allele CA382412678.
Genomic context (GRCh38, chr11:95,835,379, plus strand): 5'-ACTGTGCAGGAGAGCTGGCTCTCTCTGAGGATGAGGTTGATCGGTTAGAAATCTCTCTCT[G>A]TAGTTCCTCTACTTTTTTCTGAAGCTCTGCTCGTTTAGCAAGAAGTTCTTTGTATCTGTT-3'